The following is an entry in ClinVar:

ClinVar aggregate classification (germline): Uncertain significance (1 of 4 stars; one submission).

Submission:

Labcorp Genetics (formerly Invitae), Labcorp
Classification: Uncertain significance. Last evaluated: 2024-02-23. Review status: criteria provided, single submitter. Criteria: Invitae Variant Classification Sherloc (09022015). Collection method: clinical testing. Allele origin: germline.
Comment: This sequence change replaces valine, which is neutral and non-polar, with alanine, which is neutral and non-polar, at codon 941 of the CFH protein (p.Val941Ala). This variant is not present in population databases (gnomAD no frequency). This variant has not been reported in the literature in individuals affected with CFH-related conditions. ClinVar contains an entry for this variant (Variation ID: 1062166). Algorithms developed to predict the effect of missense changes on protein structure and function output the following: SIFT: "Not Available"; PolyPhen-2: "Benign"; Align-GVGD: "Not Available". The alanine amino acid residue is found in multiple mammalian species, which suggests that this missense change does not adversely affect protein function. In summary, the available evidence is currently insufficient to determine the role of this variant in disease. Therefore, it has been classified as a Variant of Uncertain Significance.

NM_000186.4(CFH):c.2822T>C (p.Val941Ala)

Gene: CFH (complement factor H; plus strand). Cytogenetic location: 1q31.3.
Variant type: single nucleotide variant.
Coding change: c.2822T>C on transcript NM_000186.4 (MANE Select); coding-DNA position 2822, T replaced by C.
Protein change: p.Val941Ala; replaces valine 941 with alanine.
Molecular consequence: missense variant.
Genome position (GRCh38, 1-based): chr1:196,740,658, T>C. VCF-style: chr1-196740658-T-C. GRCh37 (hg19) VCF-style: chr1-196709788-T-C.
Other names: short protein forms V941A.
Identifiers: ClinVar variation 1062166 (VCV001062166.9), dbSNP rs2149115071, ClinGen allele CA343981013.